The following is an entry in ClinVar:

ClinVar aggregate classification (germline): Pathogenic (1 of 4 stars; one submission).

Conditions:
Familial cancer of breast. Also called: Hereditary breast cancer; BREAST CANCER, FAMILIAL; hereditary breast carcinoma. Identifiers: Orphanet 227535, MedGen C0346153, MONDO:0016419, OMIM 114480. Disease mechanism: loss of function.

Submission:

Myriad Genetics, Inc.
Classification: Pathogenic for Familial cancer of breast. Last evaluated: 2023-09-08. Review status: criteria provided, single submitter. Criteria: Myriad Autosomal Dominant, Autosomal Recessive and X-Linked Classification Criteria (2023). Collection method: clinical testing. Allele origin: unknown.
Comment: This variant is considered pathogenic. This variant creates a frameshift predicted to result in premature protein truncation.

NM_024675.4(PALB2):c.1207_1208del (p.Leu403fs)

Gene: PALB2 (partner and localizer of BRCA2; minus strand). Cytogenetic location: 16p12.2.
Variant type: Deletion.
Coding change: c.1207_1208del on transcript NM_024675.4 (MANE Select); coding-DNA positions 1207 to 1208, 2 bases deleted (CT; older notation c.1207_1208delCT).
Protein change: p.Leu403fs; shifts the reading frame from leucine 403.
Molecular consequence: frameshift variant. On other transcripts: intron variant (3).
Genome position (GRCh38, 1-based): chr16:23,635,338-23,635,339, AG deleted on the plus strand (CT on the coding strand, the reverse complement: PALB2 is on the minus strand); deleting any 2 consecutive bases within chr16:23,635,338-23,635,340 gives the same sequence; the c. name uses the placement nearest the transcript's 3' end. VCF-style (leftmost placement, unchanged base first): chr16-23635337-CAG-C. GRCh37 (hg19) VCF-style: chr16-23646658-CAG-C.
Other names: c.1147_1148del, p.Leu383fs (NM_001407296.1); c.1207_1208del, p.Leu403fs (NM_001407297.1, NM_001407298.1, NM_001407299.1 and 3 more transcripts); c.322_323del, p.Leu108fs (NM_001407304.1, NM_001407305.1, NM_001407306.1 and 5 more transcripts); c.48+5771_48+5772del (NM_001407314.1); c.-104-4870_-104-4869del (NM_001407313.1, NM_001407312.1); short protein forms L108fs, L383fs, L403fs.
Identifiers: ClinVar variation 2673842 (VCV002673842.1), dbSNP rs2506485264, ClinGen allele CA2695197496.